The following is an entry in ClinVar:

ClinVar aggregate classification (germline): Uncertain significance. Review status: criteria provided, multiple submitters, no conflicts (2 of 4 stars). 2 submissions from 2 submitters: Uncertain significance (2). Last evaluated 2024-03-06.

Conditions:
Arrhythmogenic right ventricular cardiomyopathy (ARVD). Also called: Cardiomyopathy, ARVC; Arrhythmogenic right ventricular dysplasia; Arrhythmogenic cardiomyopathy; Arrhythmogenic Right Ventricular Cardiomyopathy (ARVC). Identifiers: Orphanet 247, MedGen C0349788, MeSH D019571, MONDO:0016587. Disease mechanism: loss of function. Inheritance: Various modes of inheritance.
Cardiomyopathy (CMYO). Also called: Cardiomyopathies. Identifiers: Orphanet 167848, MedGen C0878544, MONDO:0004994, HP:0001638. Inheritance: Various modes of inheritance.

Allele frequency attached by ClinVar (database versions not stated): gnomAD exomes below 0.00001 and 0.00001.
gnomAD v4.1: 6 of 1,613,658 alleles (0.00037%); highest among the groups gnomAD compares: Non-Finnish European, 0.00042%; no homozygotes.

Submissions (2):

Color Diagnostics, LLC DBA Color Health
Classification: Uncertain significance for Cardiomyopathy. Last evaluated: 2024-03-06. Review status: criteria provided, single submitter. Criteria: ACMG Guidelines, 2015. Collection method: clinical testing. Allele origin: germline.
Comment: This missense variant replaces leucine with isoleucine at codon 518 of the PKP2 protein. Computational prediction suggests that this variant may not impact protein structure and function (internally defined REVEL score threshold <= 0.5, PMID: 27666373). To our knowledge, functional studies have not been reported for this variant. This variant has not been reported in individuals affected with PKP2-related disorders in the literature. This variant has been identified in 3/251208 chromosomes in the general population by the Genome Aggregation Database (gnomAD). The available evidence is insufficient to determine the role of this variant in disease conclusively. Therefore, this variant is classified as a Variant of Uncertain Significance.

All of Us Research Program, National Institutes of Health
Classification: Uncertain significance for Arrhythmogenic right ventricular cardiomyopathy. Last evaluated: 2023-05-04. Review status: criteria provided, single submitter. Criteria: ACMG Guidelines, 2015. Collection method: clinical testing. Allele origin: germline. Inheritance: Autosomal dominant inheritance. Observed: 1 variant allele, 1 heterozygote.
Comment: This missense variant replaces leucine with isoleucine at codon 518 of the PKP2 protein. Computational prediction suggests that this variant may not impact protein structure and function (internally defined REVEL score threshold <= 0.5, PMID: 27666373). To our knowledge, functional studies have not been reported for this variant. This variant has not been reported in individuals affected with cardiovascular disorders in the literature. This variant has been identified in 3/251208 chromosomes in the general population by the Genome Aggregation Database (gnomAD). The available evidence is insufficient to determine the role of this variant in disease conclusively. Therefore, this variant is classified as a Variant of Uncertain Significance.

This study involves interpretation of variants in research participants for the purpose of population health screening. Participant phenotype was not available at the time of variant classification. Additional details can be found in publication PMID: 35346344, PMCID: PMC8962531

NM_001005242.3(PKP2):c.1420C>A (p.Leu474Ile)

Gene: PKP2 (plakophilin 2; minus strand). Cytogenetic location: 12p11.21.
Variant type: single nucleotide variant.
Coding change: c.1420C>A on transcript NM_001005242.3 (MANE Select); coding-DNA position 1420, C replaced by A.
Protein change: p.Leu474Ile; replaces leucine 474 with isoleucine.
Molecular consequence: missense variant.
Genome position (GRCh38, 1-based): chr12:32,841,164, G>T on the plus strand (C>A on the coding strand, the complement: PKP2 is on the minus strand). VCF-style: chr12-32841164-G-T. GRCh37 (hg19) VCF-style: chr12-32994098-G-T.
Other names: c.1552C>A, p.Leu518Ile (NM_004572.4); short protein forms L474I, L518I.
Identifiers: ClinVar variation 1172217 (VCV001172217.5), dbSNP rs879168083, ClinGen allele CA384367997.